The following is an entry in ClinVar:

ClinVar aggregate classification (germline): Uncertain significance. Review status: criteria provided, multiple submitters, no conflicts (2 of 4 stars). 2 submissions from 2 submitters: Uncertain significance (2). Last evaluated 2026-10-16.

Conditions:
Marfan syndrome (MFS). Also called: MARFAN SYNDROME, TYPE I; Marfan syndrome type 1; Marfan's syndrome; Marfan syndrome, classic; FBN1-Related Marfan Syndrome. Identifiers: Orphanet 284963, Orphanet 558, MedGen C0024796, MONDO:0007947, OMIM 154700.
Familial thoracic aortic aneurysm and aortic dissection (TAAD). Also called: Thoracic aortic aneurysms and dissections. Identifiers: Orphanet 91387, MedGen C4707243, MONDO:0019625.

Submissions (2):

GeneDx
Classification: Uncertain significance. Last evaluated: 2026-10-16. Review status: criteria provided, single submitter. Criteria: GeneDx Variant Classification Process June 2021. Collection method: clinical testing. Allele origin: germline.
Comment: Not observed at significant frequency in large population cohorts (gnomAD); In silico analysis supports that this missense variant has a deleterious effect on protein structure/function; Does not affect a cysteine or calcium-binding residue within an EGF-like domain or a TGF-binding protein domain of the FBN1 gene; cysteine substitutions in the EGF-like domains represent the majority of pathogenic missense changes associated with FBN1-related disorders (PMID: 12938084); Has not been previously published as pathogenic or benign to our knowledge; This variant is associated with the following publications: (PMID: 12938084)

Labcorp Genetics (formerly Invitae), Labcorp
Classification: Uncertain significance for Marfan syndrome; Familial thoracic aortic aneurysm and aortic dissection. Last evaluated: 2024-04-05. Review status: criteria provided, single submitter. Criteria: Invitae Variant Classification Sherloc (09022015). Collection method: clinical testing. Allele origin: germline.
Comment: This sequence change replaces glycine, which is neutral and non-polar, with aspartic acid, which is acidic and polar, at codon 551 of the FBN1 protein (p.Gly551Asp). This variant is not present in population databases (gnomAD no frequency). This variant has not been reported in the literature in individuals affected with FBN1-related conditions. Advanced modeling of protein sequence and biophysical properties (such as structural, functional, and spatial information, amino acid conservation, physicochemical variation, residue mobility, and thermodynamic stability) performed at Invitae indicates that this missense variant is expected to disrupt FBN1 protein function with a positive predictive value of 95%. In summary, the available evidence is currently insufficient to determine the role of this variant in disease. Therefore, it has been classified as a Variant of Uncertain Significance.

NM_000138.5(FBN1):c.1652G>A (p.Gly551Asp)

Gene: FBN1 (fibrillin 1; minus strand). Cytogenetic location: 15q21.1.
Variant type: single nucleotide variant.
Coding change: c.1652G>A on transcript NM_000138.5 (MANE Select); coding-DNA position 1652, G replaced by A.
Protein change: p.Gly551Asp; replaces glycine 551 with aspartic acid.
Molecular consequence: missense variant.
Genome position (GRCh38, 1-based): chr15:48,510,106, C>T on the plus strand (G>A on the coding strand, the complement: FBN1 is on the minus strand). VCF-style: chr15-48510106-C-T. GRCh37 (hg19) VCF-style: chr15-48802303-C-T.
Other names: c.1652G>A, p.Gly551Asp (NM_001406716.1); short protein forms G551D.
Identifiers: ClinVar variation 3369313 (VCV003369313.4).
Genomic context (GRCh38, chr15:48,510,106, plus strand): 5'-TCACAGTTCTTCCCATCTCGTGTAACATGAAAGCCCGCATTACACACGCAATGAAAACTG[C>T]CATCTGTGTTGATGCAGCGTCCATTATTGCAGATCCGGCCATTCTGTAAACACTCATCAA-3'
Protein context (NP_000129.3, residues 541-561): CNNGRCINTD[Gly551Asp]SFHCVCNAGF